The following is an entry in ClinVar:

ClinVar aggregate classification (germline): Uncertain significance. Review status: criteria provided, multiple submitters, no conflicts (2 of 4 stars). 4 submissions from 4 submitters: Uncertain significance (4). Last evaluated 2025-12-28.

Conditions:
Pheochromocytoma. Also called: MAX-Related Hereditary Paraganglioma-Pheochromocytoma Syndrome. Identifiers: Orphanet 29072, MedGen C0031511, MONDO:0008233, OMIM 171300, HP:0002666.
Hereditary pheochromocytoma and paraganglioma. Also called: Hereditary pheochromocytoma-paraganglioma; Hereditary paragangliomas and pheochromocytomas; Hereditary Paraganglioma-Pheochromocytoma Syndromes. Identifiers: Orphanet 29072, MedGen C4274332, MONDO:0017366.
Hereditary cancer-predisposing syndrome. Also called: Hereditary Cancer Syndrome; Tumor predisposition; Neoplastic Syndromes, Hereditary; Hereditary neoplastic syndrome. Identifiers: Orphanet 140162, MedGen C0027672, MeSH D009386, MONDO:0015356.

Submissions (4):

Labcorp Genetics (formerly Invitae), Labcorp
Classification: Uncertain significance for Hereditary pheochromocytoma and paraganglioma. Last evaluated: 2025-12-28. Review status: criteria provided, single submitter. Criteria: Invitae Variant Classification Sherloc (09022015). Collection method: clinical testing. Allele origin: germline.
Comment: This sequence change replaces alanine, which is neutral and non-polar, with serine, which is neutral and polar, at codon 38 of the TMEM127 protein (p.Ala38Ser). This variant is not present in population databases (gnomAD no frequency). This variant has not been reported in the literature in individuals affected with TMEM127-related conditions. ClinVar contains an entry for this variant (Variation ID: 864030). An algorithm developed to predict the effect of missense changes on protein structure and function (PolyPhen-2) suggests that this variant is likely to be tolerated. In summary, the available evidence is currently insufficient to determine the role of this variant in disease. Therefore, it has been classified as a Variant of Uncertain Significance.

Ambry Genetics
Classification: Uncertain significance for Hereditary cancer-predisposing syndrome. Last evaluated: 2024-06-16. Review status: criteria provided, single submitter. Criteria: Ambry Variant Classification Scheme 2023. Collection method: clinical testing. Allele origin: germline.
Comment: The p.A38S variant (also known as c.112G>T), located in coding exon 1 of the TMEM127 gene, results from a G to T substitution at nucleotide position 112. The alanine at codon 38 is replaced by serine, an amino acid with similar properties. This amino acid position is conserved. In addition, the in silico prediction for this alteration is inconclusive. Since supporting evidence is limited at this time, the clinical significance of this alteration remains unclear.

Baylor Genetics
Classification: Uncertain significance for Pheochromocytoma. Last evaluated: 2023-08-13. Review status: criteria provided, single submitter. Criteria: ACMG Guidelines, 2015. Collection method: clinical testing. Allele origin: unknown.

St. Jude Molecular Pathology, St. Jude Children's Research Hospital
Classification: Uncertain significance for Hereditary pheochromocytoma and paraganglioma. Last evaluated: 2021-05-13. Review status: criteria provided, single submitter. Criteria: St. Jude Assertion Criteria 2020. Collection method: clinical testing. Allele origin: germline.
Comment: The TMEM127 c.112G>T (p.Ala38Ser) missense change has a maximum subpopulation frequency of 0.0067% in gnomAD v2.1.1 (PM2_supporting). In silico tools are not in agreement about the effect of this variant on protein function, but to our knowledge these predictions have not been confirmed by functional assays. To our knowledge, this variant has not been reported in the literature in individuals with paraganglioma or pheochromocytoma. In summary, this variant meets criteria to be classified as of uncertain significance based on the ACMG/AMP criteria: PM2_supporting.

NM_017849.4(TMEM127):c.112G>T (p.Ala38Ser)

Genes: TMEM127 (transmembrane protein 127; minus strand), LOC129934333 (ATAC-STARR-seq lymphoblastoid silent region 11759; plus strand). Cytogenetic location: 2q11.2.
Variant type: single nucleotide variant.
Coding change: c.112G>T on transcript NM_017849.4 (MANE Select); coding-DNA position 112, G replaced by T.
Protein change: p.Ala38Ser; replaces alanine 38 with serine.
Molecular consequence: missense variant.
Genome position (GRCh38, 1-based): chr2:96,265,270, C>A on the plus strand (G>T on the coding strand, the complement: TMEM127 is on the minus strand). VCF-style: chr2-96265270-C-A. GRCh37 (hg19) VCF-style: chr2-96931008-C-A.
Other names: c.112G>T, p.Ala38Ser (NM_001193304.3); short protein forms A38S.
Identifiers: ClinVar variation 864030 (VCV000864030.15), dbSNP rs1456398772, ClinGen allele CA347656090.